The following is an entry in ClinVar:

ClinVar aggregate classification (germline): Uncertain significance (1 of 4 stars; one submission).

gnomAD v4.1: 1 of 1,614,034 alleles (0.000062%); highest among the groups gnomAD compares: Non-Finnish European, 0.000085%; no homozygotes.

Submission:

GeneDx
Classification: Uncertain significance. Last evaluated: 2024-11-21. Review status: criteria provided, single submitter. Criteria: GeneDx Variant Classification Process June 2021. Collection method: clinical testing. Allele origin: germline. Affected: yes.
Comment: Not observed at significant frequency in large population cohorts (gnomAD); In silico analysis supports that this missense variant has a deleterious effect on protein structure/function; Has not been previously published as pathogenic or benign to our knowledge

NM_013275.6(ANKRD11):c.5081G>C (p.Arg1694Thr)

Gene: ANKRD11 (ankyrin repeat domain containing 11; minus strand). Cytogenetic location: 16q24.3.
Variant type: single nucleotide variant.
Coding change: c.5081G>C on transcript NM_013275.6 (MANE Select); coding-DNA position 5081, G replaced by C.
Protein change: p.Arg1694Thr; replaces arginine 1694 with threonine.
Molecular consequence: missense variant.
Genome position (GRCh38, 1-based): chr16:89,281,461, C>G on the plus strand (G>C on the coding strand, the complement: ANKRD11 is on the minus strand). VCF-style: chr16-89281461-C-G. GRCh37 (hg19) VCF-style: chr16-89347869-C-G.
Other names: c.5081G>C, p.Arg1694Thr (NM_001256182.2, NM_001256183.2); short protein forms R1694T.
Identifiers: ClinVar variation 3900432 (VCV003900432.1).